The following is an entry in ClinVar:

NM_201384.3(PLEC):c.5909C>T (p.Ala1970Val)

Gene: PLEC (plectin; minus strand). Cytogenetic location: 8q24.3.
Variant type: single nucleotide variant.
Coding change: c.5909C>T on transcript NM_201384.3 (MANE Select); coding-DNA position 5909, C replaced by T.
Protein change: p.Ala1970Val; replaces alanine 1970 with valine.
Molecular consequence: missense variant.
Genome position (GRCh38, 1-based): chr8:143,924,020, G>A on the plus strand (C>T on the coding strand, the complement: PLEC is on the minus strand). VCF-style: chr8-143924020-G-A. GRCh37 (hg19) VCF-style: chr8-144998188-G-A.
Other names: c.5990C>T (NM_000445.3); c.5990C>T, p.Ala1997Val (NM_000445.5); c.5867C>T, p.Ala1956Val (NM_201378.4); c.5843C>T, p.Ala1948Val (NM_201379.3); c.6320C>T, p.Ala2107Val (NM_201380.4); c.5813C>T, p.Ala1938Val (NM_201381.3); c.5909C>T, p.Ala1970Val (NM_201382.4); c.5921C>T, p.Ala1974Val (NM_201383.3); short protein forms A1938V, A1974V, A1997V, A2107V, A1948V, A1956V, A1970V.
Identifiers: ClinVar variation 1374424 (VCV001374424.7), dbSNP rs564590863, ClinGen allele CA187615290.

ClinVar aggregate classification (germline): Uncertain significance. Review status: criteria provided, multiple submitters, no conflicts (2 of 4 stars). 2 submissions from 2 submitters: Uncertain significance (2). Last evaluated 2025-07-02.

Conditions:
Epidermolysis bullosa simplex 5C, with pyloric atresia (EBS5C). Also called: PLEC-Related Epidermolysis Bullosa with Pyloric Atresia; Epidermolysis bullosa simplex with pyloric atresia; PLEC1-Related Epidermolysis Bullosa with Pyloric Atresia. Identifiers: Orphanet 158684, MedGen C2677349, MONDO:0012807, OMIM 612138.
Epidermolysis bullosa simplex 5B, with muscular dystrophy (EBS5B). Also called: EPIDERMOLYSIS BULLOSA SIMPLEX AND LIMB-GIRDLE MUSCULAR DYSTROPHY; Epidermolysis bullosa simplex with muscular dystrophy. Identifiers: Orphanet 257, MedGen C2931072, MONDO:0009181, OMIM 226670.
Epidermolysis bullosa simplex, Ogna type (EBS5A). Also called: Pidermolysis bullosa simplex 5A, Ogna type; EPIDERMOLYSIS BULLOSA SIMPLEX 5A, OGNA TYPE. Identifiers: Orphanet 79401, MedGen C0432317, MONDO:0007555, OMIM 131950.
Autosomal recessive limb-girdle muscular dystrophy type 2Q (LGMDR17). Also called: MUSCULAR DYSTROPHY, LIMB-GIRDLE, AUTOSOMAL RECESSIVE 17. Identifiers: Orphanet 254361, MedGen C3150989, MONDO:0013390, OMIM 613723.
Epidermolysis bullosa simplex with nail dystrophy (EBS5D). Identifiers: MedGen C4225309, MONDO:0014661, OMIM 616487.
Inborn genetic diseases. Identifiers: MedGen C0950123, MeSH D030342.

Allele frequency attached by ClinVar (database versions not stated): gnomAD 0.00001; gnomAD exomes 0.00001; TOPMed 0.00003; 1000 Genomes Project 30x 0.00016; 1000 Genomes Project 0.00020.
gnomAD v4.1: 14 of 1,588,348 alleles (0.00088%); highest among the groups gnomAD compares: East Asian, 0.009%; no homozygotes.

Submissions (2):

Labcorp Genetics (formerly Invitae), Labcorp
Classification: Uncertain significance for Autosomal recessive limb-girdle muscular dystrophy type 2Q; Epidermolysis bullosa simplex, Ogna type; Epidermolysis bullosa simplex with nail dystrophy; Epidermolysis bullosa simplex 5C, with pyloric atresia; Epidermolysis bullosa simplex 5B, with muscular dystrophy. Last evaluated: 2025-07-02. Review status: criteria provided, single submitter. Criteria: Invitae Variant Classification Sherloc (09022015). Collection method: clinical testing. Allele origin: germline.
Comment: This sequence change replaces alanine, which is neutral and non-polar, with valine, which is neutral and non-polar, at codon 1997 of the PLEC protein (p.Ala1997Val). The frequency data for this variant in the population databases is considered unreliable, as metrics indicate poor data quality at this position in the gnomAD database. This variant has not been reported in the literature in individuals affected with PLEC-related conditions. ClinVar contains an entry for this variant (Variation ID: 1374424). An algorithm developed to predict the effect of missense changes on protein structure and function outputs the following: PolyPhen-2: "Not Available". The valine amino acid residue is found in multiple mammalian species, which suggests that this missense change does not adversely affect protein function. In summary, the available evidence is currently insufficient to determine the role of this variant in disease. Therefore, it has been classified as a Variant of Uncertain Significance.

Ambry Genetics
Classification: Uncertain significance for Inborn genetic diseases. Last evaluated: 2025-02-24. Review status: criteria provided, single submitter. Criteria: Ambry Variant Classification Scheme 2023. Collection method: clinical testing. Allele origin: germline.